The following is an entry in ClinVar:

ClinVar aggregate classification (germline): Uncertain significance (0 of 4 stars; one submission).

Allele frequency attached by ClinVar (database versions not stated): gnomAD exomes 0.00001.
gnomAD v4.1: 10 of 1,552,044 alleles (0.00064%); highest among the groups gnomAD compares: Middle Eastern, 0.017%; no homozygotes.

Submission:

Department of Pathology and Laboratory Medicine, Sinai Health System
Classification: Uncertain significance. Review status: no assertion criteria provided. Collection method: clinical testing. Allele origin: unknown. Affected: yes. Study: The Canadian Open Genetics Repository (COGR).
Comment: The GREB1L p.Thr1438Ala variant was not identified in the literature nor was it identified in dbSNP, ClinVar, Cosmic, LOVD 3.0 or in the following control databases: the 1000 Genomes Project, the NHLBI GO Exome Sequencing Project, the Exome Aggregation Consortium (August 8th 2016), or the Genome Aggregation Database (Feb 27, 2017). The variant occurs outside of the splicing consensus sequence and in silico or computational prediction software programs (SpliceSiteFinder, MaxEntScan, NNSPLICE, GeneSplicer) do not predict a difference in splicing. The p.Thr1438 residue is conserved in mammals and computational analyses (PolyPhen-2, SIFT, AlignGVGD, BLOSUM, MutationTaster) provide inconsistent predictions regarding the impact to the protein; this information is not very predictive of pathogenicity. In summary, based on the above information the clinical significance of this variant cannot be determined with certainty at this time. This variant is classified as a variant of uncertain significance.

NM_001142966.3(GREB1L):c.4312A>G (p.Thr1438Ala)

Gene: GREB1L (GREB1 like retinoic acid receptor coactivator; plus strand). Cytogenetic location: 18q11.2.
Variant type: single nucleotide variant.
Coding change: c.4312A>G on transcript NM_001142966.3 (MANE Select); coding-DNA position 4312, A replaced by G.
Protein change: p.Thr1438Ala; replaces threonine 1438 with alanine.
Molecular consequence: missense variant.
Genome position (GRCh38, 1-based): chr18:21,505,893, A>G. VCF-style: chr18-21505893-A-G. GRCh37 (hg19) VCF-style: chr18-19085854-A-G.
Other names: short protein forms T1438A.
Identifiers: ClinVar variation 1050302 (VCV001050302.1), dbSNP rs78312929, ClinGen allele CA401756032.